The following is an entry in ClinVar:

NM_001190274.2(FBXO11):c.2491_2492delinsGT (p.Ser831Val)

Genes: FBXO11 (F-box protein 11; minus strand), MSH6 (mutS homolog 6; plus strand). Cytogenetic location: 2p16.3.
Variant type: Indel.
Coding change: c.2491_2492delinsGT on transcript NM_001190274.2 (MANE Select); coding-DNA positions 2491 to 2492, AG replaced by GT.
Protein change: p.Ser831Val; replaces serine 831 with valine.
Molecular consequence: missense variant. On other transcripts: intron variant (6).
Genome position (GRCh38, 1-based): chr2:47,809,221-47,809,222, CT replaced by AC on the plus strand (AG replaced by GT on the coding strand, the reverse complement: FBXO11 is on the minus strand). VCF-style: chr2-47809221-CT-AC. GRCh37 (hg19) VCF-style: chr2-48036360-CT-AC.
Other names: c.2239_2240delinsGT, p.Ser747Val (NM_001374325.1, NM_025133.4); c.*44-778_*44-777delinsAC (NM_001406809.1); c.*41-778_*41-777delinsAC (NM_001406796.1, NM_001406811.1, NM_001406805.1 and 2 more transcripts); short protein forms S831V, S747V.
Identifiers: ClinVar variation 4775507 (VCV004775507.1).
Genomic context (GRCh38, chr2:47,809,221, plus strand): 5'-TAGAAATCATGCATGGGATAGCTGGTATAACTTGATATTTTATATAAACATTGGCCTCTA[CT>AC]AACAGCCTTTTCTATGGCATCTTGATTGTTCATTATTTTGTTATCTGTAATAAAAGAAAG-3'
Protein context (NP_001177203.1, residues 821-841): NNQDAIEKAV[Ser831Val]RGQCLYKISS

ClinVar aggregate classification (germline): Uncertain significance (1 of 4 stars; one submission).

Submission:

Labcorp Genetics (formerly Invitae), Labcorp
Classification: Uncertain significance. Last evaluated: 2025-11-26. Review status: criteria provided, single submitter. Criteria: Invitae Variant Classification Sherloc (09022015). Collection method: clinical testing. Allele origin: germline.
Comment: This sequence change replaces serine, which is neutral and polar, with valine, which is neutral and non-polar, at codon 831 of the FBXO11 protein (p.Ser831Val). The frequency data for this variant in the population databases is considered unreliable, as metrics indicate poor data quality at this position in the gnomAD database. This variant has not been reported in the literature in individuals affected with FBXO11-related conditions. An algorithm developed to predict the effect of missense changes on protein structure and function (PolyPhen-2) suggests that this variant is likely to be tolerated. In summary, the available evidence is currently insufficient to determine the role of this variant in disease. Therefore, it has been classified as a Variant of Uncertain Significance.